The following is an entry in ClinVar:

NM_005228.5(EGFR):c.1520A>G (p.His507Arg)

Gene: EGFR (epidermal growth factor receptor; plus strand). Cytogenetic location: 7p11.2.
Variant type: single nucleotide variant.
Coding change: c.1520A>G on transcript NM_005228.5 (MANE Select); coding-DNA position 1520, A replaced by G.
Protein change: p.His507Arg; replaces histidine 507 with arginine.
Molecular consequence: missense variant.
Genome position (GRCh38, 1-based): chr7:55,161,520, A>G. VCF-style: chr7-55161520-A-G. GRCh37 (hg19) VCF-style: chr7-55229213-A-G.
Other names: c.1385A>G, p.His462Arg (NM_001346897.2, NM_001346899.2); c.1520A>G, p.His507Arg (NM_001346898.2, NM_201282.2, NM_201284.2); c.1361A>G, p.His454Arg (NM_001346900.2); c.719A>G, p.His240Arg (NM_001346941.2); short protein forms H240R, H454R, H462R, H507R.
Identifiers: ClinVar variation 4870297 (VCV004870297.1).

ClinVar aggregate classification (germline): Uncertain significance (1 of 4 stars; one submission).

Conditions:
Hereditary cancer-predisposing syndrome. Also called: Neoplastic Syndromes, Hereditary; Tumor predisposition; Hereditary Cancer Syndrome; Hereditary neoplastic syndrome. Identifiers: Orphanet 140162, MedGen C0027672, MeSH D009386, MONDO:0015356.

Submission:

Ambry Genetics
Classification: Uncertain significance for Hereditary cancer-predisposing syndrome. Last evaluated: 2026-06-13. Review status: criteria provided, single submitter. Criteria: Ambry Variant Classification Scheme 2023. Collection method: clinical testing. Allele origin: germline.
Comment: The p.H507R variant (also known as c.1520A>G), located in coding exon 13 of the EGFR gene, results from an A to G substitution at nucleotide position 1520. The histidine at codon 507 is replaced by arginine, an amino acid with highly similar properties. This amino acid position is conserved. In addition, this alteration is predicted to be tolerated by in silico analysis. Based on the available evidence, the clinical significance of this variant remains unclear.